The following is an entry in ClinVar:

NM_004415.4(DSP):c.6478C>T (p.Arg2160Ter)

Gene: DSP (desmoplakin; plus strand). Cytogenetic location: 6p24.3.
Variant type: single nucleotide variant.
Coding change: c.6478C>T on transcript NM_004415.4 (MANE Select); coding-DNA position 6478, C replaced by T.
Protein change: p.Arg2160Ter; replaces arginine 2160 with a stop codon.
Molecular consequence: nonsense.
Genome position (GRCh38, 1-based): chr6:7,583,740, C>T. VCF-style: chr6-7583740-C-T. GRCh37 (hg19) VCF-style: chr6-7583973-C-T.
Other names: c.4681C>T, p.Arg1561Ter (NM_001008844.3); c.5149C>T, p.Arg1717Ter (NM_001319034.2); short protein forms R2160*, R1561*, R1717*.
Identifiers: ClinVar variation 199902 (VCV000199902.19), dbSNP rs777573018, ClinGen allele CA006940.

ClinVar aggregate classification (germline): Pathogenic/Likely pathogenic. Review status: criteria provided, multiple submitters, no conflicts (2 of 4 stars). 7 submissions from 7 submitters: Pathogenic (2); Likely pathogenic (3). 2 of the submissions do not count toward it. Last evaluated 2024-11-21.

Conditions:
Arrhythmogenic cardiomyopathy with wooly hair and keratoderma. Also called: Carvajal syndrome; Dilated cardiomyopathy with woolly hair and keratoderma; Arrhythmogenic cardiomyopathy with woolly hair and keratoderma; PALMOPLANTAR KERATODERMA WITH LEFT VENTRICULAR CARDIOMYOPATHY AND WOOLLY HAIR. Identifiers: Orphanet 65282, MedGen C1854063, MONDO:0011581, OMIM 605676.
Arrhythmogenic right ventricular dysplasia 8 (ARVD8). Also called: Arrhythmogenic Right Ventricular Dysplasia/Cardiomyopathy 8; ARRHYTHMOGENIC RIGHT VENTRICULAR CARDIOMYOPATHY 8; ARRHYTHMOGENIC RIGHT VENTRICULAR DYSPLASIA, FAMILIAL, 8. Identifiers: MedGen C1843896, MONDO:0011831, OMIM 607450.
Cardiovascular phenotype. Identifiers: MedGen CN230736.

Allele frequency attached by ClinVar (database versions not stated): gnomAD exomes below 0.00001 and 0.00001; ExAC 0.00001; TOPMed 0.00001.

Submissions (7):

Ambry Genetics
Classification: Pathogenic for Cardiovascular phenotype. Last evaluated: 2024-11-21. Review status: criteria provided, single submitter. Criteria: Ambry Variant Classification Scheme 2023. Collection method: clinical testing. Allele origin: germline.
Comment: The p.R2160* pathogenic mutation (also known as c.6478C>T), located in coding exon 24 of the DSP gene, results from a C to T substitution at nucleotide position 6478. This changes the amino acid from an arginine to a stop codon within coding exon 24. This alteration occurs at the 3' terminus of theDSP gene, is not expected to trigger nonsense-mediated mRNA decay, and only impacts the last 24% of the protein. However, premature stop codons are typically deleterious in nature and a significant portion of the protein is affected (Ambry internal data). Alterations in DSP that result in haploinsufficiency or protein truncation have been reported in patients with arrhythmogenic right ventricular cardiomyopathy (ARVC) and dilated cardiomyopathy (DCM) (Fressart V et al. Europace.2010;12(6):861-8; Elliott P et al. Circ Cardiovasc Genet. 2010;3(4):314-22; Quarta G et al. Circulation.2011;123(23):2701-9; Garcia-Pavia P et al. Heart. 2011;97(21):1744-52; Rasmussen TB et al. Clin Genet.2013;84(1):20-30; Pugh TJ et al. Genet Med. 2014;16(8):601-8). This variant has been reported in subjects with DSP- related cardiac conditions (Dal Ferro M et al. Heart, 2017 Nov;103:1704-1710; Groeneweg JA et al. Circ Cardiovasc Genet, 2015 Jun;8:437-46; van Lint FHM et al. Circ Genom Precis Med, 2019 Aug;12:e002467; Paldino A et al. J Am Coll Cardiol, 2022 Nov;80:1981-1994). This variant is considered to be rare based on population cohorts in the Genome Aggregation Database (gnomAD). This alteration is expected to result in loss of function by premature protein truncation or nonsense-mediated mRNA decay. As such, this alteration is interpreted as a disease-causing mutation.

Labcorp Genetics (formerly Invitae), Labcorp
Classification: Pathogenic for Arrhythmogenic cardiomyopathy with wooly hair and keratoderma; Arrhythmogenic right ventricular dysplasia 8. Last evaluated: 2024-11-04. Review status: criteria provided, single submitter. Criteria: Invitae Variant Classification Sherloc (09022015). Collection method: clinical testing. Allele origin: germline.
Comment: This sequence change creates a premature translational stop signal (p.Arg2160*) in the DSP gene. While this is not anticipated to result in nonsense mediated decay, it is expected to disrupt the last 712 amino acid(s) of the DSP protein. This variant is present in population databases (rs777573018, gnomAD 0.002%). This premature translational stop signal has been observed in individual(s) with arrhythmogenic right ventricular cardiomyopathy or dilated cardiomyopathy (PMID: 23810894, 28416588). ClinVar contains an entry for this variant (Variation ID: 199902). This variant disrupts a region of the DSP protein in which other variant(s) (p.Glu2728Glyfs*11) have been determined to be pathogenic (internal data). This suggests that this is a clinically significant region of the protein, and that variants that disrupt it are likely to be disease-causing. For these reasons, this variant has been classified as Pathogenic.

All of Us Research Program, National Institutes of Health
Classification: Likely pathogenic for Arrhythmogenic cardiomyopathy with wooly hair and keratoderma. Last evaluated: 2024-02-05. Review status: criteria provided, single submitter. Criteria: ACMG Guidelines, 2015. Collection method: clinical testing. Allele origin: germline. Inheritance: Autosomal dominant inheritance. Observed: 1 variant allele, 1 heterozygote.
Comment: This variant changes 1 nucleotide in exon 24 of the DSP gene, creating a premature translation stop signal in the last exon. This variant is predicted to escape nonsense-mediated decay and be expressed as a truncated protein. Although functional studies have not been reported, this variant is expected to alter the plakin repeat domain A where plankin repeat domains and downstream C-terminal sequence have been reported to be essential for interaction with intermediate filaments (PMID: 12101406, 12802069, 21756917). This variant has been reported in at least two unrelated individuals affected with arrhythmogenic right ventricular cardiomyopathy (PMID: 23810894, 25820315) and in an individual effected with dilated cardiomyopathy (PMID: 28416588). It has also been reported in an individual affected with premature atrial complexes (PMID: 29997227) and in an individual affected with Carvajal syndrome who also carried a second pathogenic truncation variant in the DSP gene (PMID: 37799505). This variant has been identified in 1/251374 chromosomes in the general population by the Genome Aggregation Database (gnomAD). Loss of DSP function is a known mechanism of disease. Based on the available evidence, this variant is classified as Likely Pathogenic.

This study involves interpretation of variants in research participants for the purpose of population health screening. Participant phenotype was not available at the time of variant classification. Additional details can be found in publication PMID: 35346344, PMCID: PMC8962531

Clinical Genomics Laboratory, Washington University in St. Louis
Classification: Likely pathogenic for Arrhythmogenic right ventricular dysplasia 8. Last evaluated: 2023-09-21. Review status: criteria provided, single submitter. Criteria: ACMG Guidelines, 2015. Collection method: clinical testing. Allele origin: germline.
Comment: The DSP c.6478C>T (p.Arg2160Ter) variant has been reported in four individuals affected with arrhythmogenic right ventricular cardiomyopathy or dilated cardiomyopathy (Dal Ferro M et al., PMID: 28416588; Gigli M et al., PMID: 31514951; ts Riele AS et al., PMID: 23810894; van Lint FHM et al., PMID: 31386562). The variant is only observed on one allele out of 251,374 alleles in the general population (gnomAD v.2.1.1), indicating it is not a common variant. Computational predictors are uncertain as to the impact of this variant on DSP function. This variant causes a premature termination codon; however, because this occurs in the last exon, this is not predicted to lead to nonsense mediated decay. However, there are other predicted loss of function variants downstream that have been determined to be pathogenic that suggests this is a clinically significant region of the protein. This variant has been reported in the ClinVar database as a likely pathogenic variant in arrhythmogenic right ventricular cardiomyopathy or dilated cardiomyopathy by three submitters and pathogenic by one submitter. Based on available information and the ACMG/AMP guidelines for variant interpretation (Richards S et al., PMID: 25741868), this variant is classified as likely pathogenic.

AiLife Diagnostics
Classification: Likely pathogenic. Last evaluated: 2021-11-18. Review status: criteria provided, single submitter. Criteria: ACMG Guidelines, 2015. Collection method: clinical testing. Allele origin: germline. Affected: yes. Observed: 1 variant allele.

Diagnostic Laboratory, Department of Genetics, University Medical Center Groningen
Classification: Likely pathogenic. Review status: no assertion criteria provided. Collection method: clinical testing. Allele origin: germline. Affected: yes. Study: VKGL Data-share Consensus. Not counted in ClinVar's aggregate classification.

Joint Genome Diagnostic Labs from Nijmegen and Maastricht, Radboudumc and MUMC+
Classification: Likely pathogenic. Review status: no assertion criteria provided. Collection method: clinical testing. Allele origin: germline. Affected: yes. Study: VKGL Data-share Consensus. Not counted in ClinVar's aggregate classification.

Literature cited by the submitters: PubMed 25820315 (cited by Ambry Genetics and All of Us Research Program, National Institutes of Health); PubMed 28416588 (cited by 4 submitters); PubMed 31386562 (cited by Ambry Genetics and AiLife Diagnostics); PubMed 36396199 (cited by Ambry Genetics); PubMed 23810894 (cited by 3 submitters); PubMed 12101406 (cited by All of Us Research Program, National Institutes of Health); PubMed 12802069 (cited by All of Us Research Program, National Institutes of Health); PubMed 21756917 (cited by All of Us Research Program, National Institutes of Health); PubMed 29997227 (cited by All of Us Research Program, National Institutes of Health and AiLife Diagnostics); PubMed 37799505 (cited by All of Us Research Program, National Institutes of Health); PubMed 31514951 (cited by AiLife Diagnostics); PubMed 24784157 (cited by AiLife Diagnostics); PubMed 31402444 (cited by AiLife Diagnostics).